The following is an entry in ClinVar:

NM_002691.4(POLD1):c.91C>T (p.Pro31Ser)

Gene: POLD1 (DNA polymerase delta 1, catalytic subunit; plus strand). Cytogenetic location: 19q13.33.
Variant type: single nucleotide variant.
Coding change: c.91C>T on transcript NM_002691.4 (MANE Select); coding-DNA position 91, C replaced by T.
Protein change: p.Pro31Ser; replaces proline 31 with serine.
Molecular consequence: missense variant. On other transcripts: non-coding transcript variant (1).
Genome position (GRCh38, 1-based): chr19:50,398,942, C>T. VCF-style: chr19-50398942-C-T. GRCh37 (hg19) VCF-style: chr19-50902199-C-T.
Other names: c.91C>T, p.Pro31Ser (NM_001256849.1, NM_001308632.1); short protein forms P31S.
Identifiers: ClinVar variation 3252638 (VCV003252638.1), dbSNP rs2513932760.
Genomic context (GRCh38, chr19:50,398,942, plus strand): 5'-CCCGGGGTGCCCCCAAAGCGGGCCCGTGGGGGCCTCTGGGATGATGATGATGCACCTCGG[C>T]CATCCCAATTCGAGGAGGACCTGGCACTGATGGAGGAGATGGAGGCAGAACACAGGCTGC-3'
Protein context (NP_002682.2, residues 21-41): GLWDDDDAPR[Pro31Ser]SQFEEDLALM

ClinVar aggregate classification (germline): Uncertain significance (1 of 4 stars; one submission).

Submission:

GeneDx
Classification: Uncertain significance. Last evaluated: 2023-10-03. Review status: criteria provided, single submitter. Criteria: GeneDx Variant Classification Process June 2021. Collection method: clinical testing. Allele origin: germline. Affected: yes.
Comment: Not observed at significant frequency in large population cohorts (gnomAD); In silico analysis supports that this missense variant does not alter protein structure/function; Has not been previously published as pathogenic or benign to our knowledge